The following is an entry in ClinVar:

NM_052989.3(IFT122):c.1367G>T (p.Cys456Phe)

Gene: IFT122 (intraflagellar transport 122; plus strand). Cytogenetic location: 3q21.3.
Variant type: single nucleotide variant.
Coding change: c.1367G>T on transcript NM_052989.3 (MANE Select); coding-DNA position 1367, G replaced by T.
Protein change: p.Cys456Phe; replaces cysteine 456 with phenylalanine.
Molecular consequence: missense variant.
Genome position (GRCh38, 1-based): chr3:129,479,801, G>T. VCF-style: chr3-129479801-G-T. GRCh37 (hg19) VCF-style: chr3-129198644-G-T.
Other names: c.1343G>T, p.Cys448Phe (NM_001280541.2); c.917G>T, p.Cys306Phe (NM_001280545.2); c.740G>T, p.Cys247Phe (NM_001280546.2); c.1190G>T, p.Cys397Phe (NM_018262.4); c.1520G>T, p.Cys507Phe (NM_052985.4); c.1034G>T, p.Cys345Phe (NM_052990.3); short protein forms C247F, C345F, C507F, C306F, C456F, C397F, C448F.
Identifiers: ClinVar variation 1521013 (VCV001521013.7), dbSNP rs1335391766, ClinGen allele CA354475182.
Genomic context (GRCh38, chr3:129,479,801, plus strand): 5'-CTTATTCTGTTGAATTTCCATGCAGAGCTGGGTTTGCTTCCTAGGAGAAACGGCTGCAGT[G>T]CCTGTCCTTCAGCGGAGTGAAGGAGCGGGAGTGGCAGATGGAGTCTCTCATTCGTTACAT-3'
Protein context (NP_443715.1, residues 446-466): IILCQEKRLQ[Cys456Phe]LSFSGVKERE

ClinVar aggregate classification (germline): Uncertain significance (1 of 4 stars; one submission).

Conditions:
Cranioectodermal dysplasia 1 (CED1). Also called: LEVIN SYNDROME I. Identifiers: Orphanet 1515, MedGen C0432235, MONDO:0021093, OMIM 218330.

Submission:

Labcorp Genetics (formerly Invitae), Labcorp
Classification: Uncertain significance for Cranioectodermal dysplasia 1. Last evaluated: 2024-05-06. Review status: criteria provided, single submitter. Criteria: Invitae Variant Classification Sherloc (09022015). Collection method: clinical testing. Allele origin: germline.
Comment: This sequence change replaces cysteine, which is neutral and slightly polar, with phenylalanine, which is neutral and non-polar, at codon 507 of the IFT122 protein (p.Cys507Phe). This variant is not present in population databases (gnomAD no frequency). This variant has not been reported in the literature in individuals affected with IFT122-related conditions. ClinVar contains an entry for this variant (Variation ID: 1521013). Advanced modeling of protein sequence and biophysical properties (such as structural, functional, and spatial information, amino acid conservation, physicochemical variation, residue mobility, and thermodynamic stability) performed at Invitae indicates that this missense variant is expected to disrupt IFT122 protein function with a positive predictive value of 80%. In summary, the available evidence is currently insufficient to determine the role of this variant in disease. Therefore, it has been classified as a Variant of Uncertain Significance.